The following is an entry in ClinVar:

ClinVar aggregate classification (germline): Uncertain significance (1 of 4 stars; one submission).

Allele frequency attached by ClinVar (database versions not stated): gnomAD exomes below 0.00001.
gnomAD v4.1: 2 of 1,610,288 alleles (0.00012%); highest among the groups gnomAD compares: Non-Finnish European, 0.00017%; no homozygotes.

Submission:

GeneDx
Classification: Uncertain significance. Last evaluated: 2022-05-26. Review status: criteria provided, single submitter. Criteria: GeneDx Variant Classification Process June 2021. Collection method: clinical testing. Allele origin: germline. Affected: yes.
Comment: Not observed at significant frequency in large population cohorts (gnomAD); In silico analysis supports that this missense variant has a deleterious effect on protein structure/function; Has not been previously published as pathogenic or benign to our knowledge

NM_005006.7(NDUFS1):c.1405G>A (p.Ala469Thr)

Gene: NDUFS1 (NADH:ubiquinone oxidoreductase core subunit S1; minus strand). Cytogenetic location: 2q33.3.
Variant type: single nucleotide variant.
Coding change: c.1405G>A on transcript NM_005006.7 (MANE Select); coding-DNA position 1405, G replaced by A.
Protein change: p.Ala469Thr; replaces alanine 469 with threonine.
Molecular consequence: missense variant.
Genome position (GRCh38, 1-based): chr2:206,133,093, C>T on the plus strand (G>A on the coding strand, the complement: NDUFS1 is on the minus strand). VCF-style: chr2-206133093-C-T. GRCh37 (hg19) VCF-style: chr2-206997817-C-T.
Other names: c.1297G>A, p.Ala433Thr (NM_001199981.2); c.1072G>A, p.Ala358Thr (NM_001199982.2); c.1234G>A, p.Ala412Thr (NM_001199983.2); c.1447G>A, p.Ala483Thr (NM_001199984.2); short protein forms A358T, A412T, A433T, A469T, A483T.
Identifiers: ClinVar variation 1801107 (VCV001801107.1), dbSNP rs2470017673, ClinGen allele CA350048531.